The following is an entry in ClinVar:

ClinVar aggregate classification (germline): Uncertain significance (1 of 4 stars; one submission).

Allele frequency attached by ClinVar (database versions not stated): ExAC 0.00001; gnomAD exomes 0.00001; ESP Exome Variant Server 0.00008.
gnomAD v4.1: 15 of 1,536,656 alleles (0.00098%); highest among the groups gnomAD compares: African/African-American, 0.0055%; no homozygotes.

Submission:

Labcorp Genetics (formerly Invitae), Labcorp
Classification: Uncertain significance. Last evaluated: 2022-05-20. Review status: criteria provided, single submitter. Criteria: Invitae Variant Classification Sherloc (09022015). Collection method: clinical testing. Allele origin: germline.
Comment: This sequence change affects codon 404 of the IRF4 mRNA. It is a 'silent' change, meaning that it does not change the encoded amino acid sequence of the IRF4 protein. It affects a nucleotide within the consensus splice site. In summary, the available evidence is currently insufficient to determine the role of this variant in disease. Therefore, it has been classified as a Variant of Uncertain Significance. Algorithms developed to predict the effect of sequence changes on RNA splicing suggest that this variant is not likely to affect RNA splicing. This variant has not been reported in the literature in individuals affected with IRF4-related conditions. The frequency data for this variant in the population databases is considered unreliable, as metrics indicate poor data quality at this position in the gnomAD database.

NM_002460.4(IRF4):c.1212C>T (p.His404=)

Gene: IRF4 (interferon regulatory factor 4; plus strand). Cytogenetic location: 6p25.3.
Variant type: single nucleotide variant.
Coding change: c.1212C>T on transcript NM_002460.4 (MANE Select); coding-DNA position 1212, C replaced by T.
Protein change: p.His404=; no amino-acid change (histidine 404 retained).
Molecular consequence: synonymous variant. On other transcripts: non-coding transcript variant (1).
Genome position (GRCh38, 1-based): chr6:405,130, C>T. VCF-style: chr6-405130-C-T. GRCh37 (hg19) VCF-style: chr6-405130-C-T.
Other names: c.1209C>T, p.His403= (NM_001195286.2).
Identifiers: ClinVar variation 2185903 (VCV002185903.4), dbSNP rs141640145, ClinGen allele CA3612901.
Genomic context (GRCh38, chr6:405,130, plus strand): 5'-TCTATGCTTTGGAGAGGAGTTTCCAGACCCTCAGAGGCAAAGAAAGCTCATCACAGCTCA[C>T]GTGAGTCCTCAGTTACACTCCTACCATAGTGGCTTCCTGTTCTTTGTAAAGGCCAGAGTT-3'
Protein context (NP_002451.2, residues 394-414): PQRQRKLITA[His404=]VEPLLARQLY